The following is an entry in ClinVar:

GRCh37/hg19 16p13.12-13.11(chr16:14780641-16498084)x1

Genes: ABCC1 (ATP binding cassette subfamily C member 1 (ABCC1 blood group); plus strand), ABCC6 (ATP binding cassette subfamily C member 6; minus strand), BMERB1 (bMERB domain containing 1; plus strand), CEP20 (centrosomal protein 20; minus strand), MARF1 (meiosis regulator and mRNA stability factor 1; minus strand) and 13 more. Cytogenetic location: 16p13.12-13.11.
Variant type: copy number loss.
Change: copy number 1 (one copy instead of two) of chr16:14,780,641-16,498,084 (1.72 Mb, GRCh37 coordinates, 1-based), cytogenetic band 16p13.12-13.11.
Identifiers: ClinVar variation 564279 (VCV000564279.3).

ClinVar aggregate classification (germline): Pathogenic (1 of 4 stars; one submission).

Submission:

Quest Diagnostics Nichols Institute San Juan Capistrano
Classification: Pathogenic. Last evaluated: 2024-07-11. Review status: criteria provided, single submitter. Criteria: ACMG/ClinGen CNV Guidelines, 2019. Collection method: clinical testing. Allele origin: unknown.
Comment: This copy number loss represents the recurrent 16p13.11 BP2-BP3 deletion region (ISCA-37415) containing the proposed critical genes NDE1 (OMIM 609449) and MYH11 (OMIM 160745) (Granata 2022, Heinzen 2010, Nagamani 2011, Rehm 2015, Ullmann 2007). Inheritance from an unaffected or mildly affected parent has been reported. This copy number variant (CNV) is classified as pathogenic with variable phenotypic expressivity and reduced penetrance. References: Granata et al., Front Genet. 2022 Mar 15;13:798607. PMID: 35368691 Heinzen et al., Am J Hum Genet. 2010 May 14;86(5):707-18. PMID: 20398883 Nagamani et al., Eur J Hum Genet. 2011 Mar;19(3):280-6. PMID: 21150890 Ullmann et al., Hum Mutat. 2007 Jul;28(7):674-82. PMID: 17480035